The following is an entry in ClinVar:

ClinVar aggregate classification (germline): Conflicting classifications of pathogenicity. Review status: criteria provided, conflicting classifications (1 of 4 stars). 7 submissions from 7 submitters: Uncertain significance (4); Likely benign (2). 1 of the submissions does not count toward it. Last evaluated 2026-02-01.

Conditions:
Autosomal recessive limb-girdle muscular dystrophy type 2A (LGMDR1). Also called: Calpainopathy; MUSCULAR DYSTROPHY, PELVOFEMORAL; Limb-girdle muscular dystrophy, type 2A; Muscular dystrophy, limb-girdle, type 2A, Amish; LEYDEN-MOEBIUS MUSCULAR DYSTROPHY. Identifiers: Orphanet 267, MedGen C1869123, MONDO:0009675, OMIM 253600. Disease mechanism: loss of function.

Allele frequency attached by ClinVar (database versions not stated): 1000 Genomes Project 30x 0.00031; gnomAD 0.00031 and 0.00032; TOPMed 0.00035; ESP Exome Variant Server 0.00038; 1000 Genomes Project 0.00040.
gnomAD v4.1: 380 of 1,614,190 alleles (0.024%); highest among the groups gnomAD compares: Middle Eastern, 0.21%; no homozygotes.

Submissions (7):

Labcorp Genetics (formerly Invitae), Labcorp
Classification: Likely benign for Autosomal recessive limb-girdle muscular dystrophy type 2A. Last evaluated: 2026-02-01. Review status: criteria provided, single submitter. Criteria: Invitae Variant Classification Sherloc (09022015). Collection method: clinical testing. Allele origin: germline.

Mayo Clinic Laboratories, Mayo Clinic
Classification: Uncertain significance. Last evaluated: 2025-06-27. Review status: criteria provided, single submitter. Criteria: ACMG Guidelines, 2015. Collection method: clinical testing. Allele origin: germline. Observed: 1 variant allele.
Comment: PP3, PP4

GeneDx
Classification: Likely benign. Last evaluated: 2021-04-20. Review status: criteria provided, single submitter. Criteria: GeneDx Variant Classification Process June 2021. Collection method: clinical testing. Allele origin: germline. Affected: yes.
Comment: Reported previously in an individual undergoing next generation sequencing testing for myopathy, although further information was not provided on this individual (Di Fruscio et al., 2016); This variant is associated with the following publications: (PMID: 25898921)

Baylor Genetics
Classification: Uncertain significance for Autosomal recessive limb-girdle muscular dystrophy type 2A. Last evaluated: 2019-01-03. Review status: criteria provided, single submitter. Criteria: ACMG Guidelines, 2015. Collection method: clinical testing. Allele origin: unknown. Affected: yes.
Comment: This variant was determined to be of uncertain significance according to ACMG Guidelines, 2015 [PMID:25741868].

Eurofins Ntd Llc (ga)
Classification: Uncertain significance. Last evaluated: 2018-02-14. Review status: criteria provided, single submitter. Criteria: EGL ClinVar v180209 classification definitions. Collection method: clinical testing. Allele origin: germline. Observed: 5 variant alleles, 5 heterozygotes.

Illumina Laboratory Services, Illumina
Classification: Uncertain significance for Limb-girdle muscular dystrophy, type 2A. Last evaluated: 2017-04-27. Review status: criteria provided, single submitter. Criteria: ICSL Variant Classification Criteria 13 December 2019. Collection method: clinical testing. Allele origin: germline.

Natera, Inc.
Classification: Uncertain significance for Limb-girdle muscular dystrophy type 2A. Last evaluated: 2020-01-07. Review status: no assertion criteria provided. Collection method: clinical testing. Allele origin: germline. Not counted in ClinVar's aggregate classification.

Literature cited by the submitters: PubMed 25898921 (cited by Mayo Clinic Laboratories, Mayo Clinic); PubMed 33337384 (cited by Mayo Clinic Laboratories, Mayo Clinic).

NM_000070.3(CAPN3):c.232C>A (p.Pro78Thr)

Gene: CAPN3 (calpain 3; plus strand). Cytogenetic location: 15q15.1.
Variant type: single nucleotide variant.
Coding change: c.232C>A on transcript NM_000070.3 (MANE Select); coding-DNA position 232, C replaced by A.
Protein change: p.Pro78Thr; replaces proline 78 with threonine.
Molecular consequence: missense variant.
Genome position (GRCh38, 1-based): chr15:42,360,037, C>A. VCF-style: chr15-42360037-C-A. GRCh37 (hg19) VCF-style: chr15-42652235-C-A.
Other names: p.Pro78Thr; c.232C>A, p.Pro78Thr (NM_024344.2, NM_173087.2); short protein forms P78T.
Identifiers: ClinVar variation 287449 (VCV000287449.25), dbSNP rs138867099, ClinGen allele CA7510874.